The following is an entry in ClinVar:

ClinVar aggregate classification (germline): Pathogenic. Review status: reviewed by expert panel (3 of 4 stars). 8 submissions from 8 submitters: Pathogenic (1). 7 of the submissions do not count toward it. Last evaluated 2020-04-05.

Conditions:
PAH-related disorder. Also called: PAH-related condition.
Phenylketonuria (PKU). Also called: FOLLING DISEASE; Phenylketonurias; OLIGOPHRENIA PHENYLPYRUVICA; Phenylketonuria (PKU). Identifiers: Orphanet 716, MedGen C0031485, MONDO:0009861, OMIM 261600. Disease mechanism: loss of function.

Submissions (8):

ClinGen PAH Variant Curation Expert Panel
Classification: Pathogenic for Phenylketonuria. Last evaluated: 2020-04-05. Review status: reviewed by expert panel. Criteria: ClinGen PAH ACMG Specifications v1. Collection method: curation. Allele origin: germline. Inheritance: Autosomal recessive inheritance.
Comment: The c.822_832delGCCCATGTATA (p.Lys274Asnfs) variant in PAH is a null variant (frameshift variant) in a gene where LOF is a known mechanism of disease, leading to premature truncation and NMD (PVS1). It is present at an extremely low frequency in gnomAD (MAF = 0.00000398, less than the 0.0002 MAF cutoff) and absent from other ethnically diverse control databases, including 1000 Genomes and ESP (PM2). It has been previously reported in Clinvar (variation ID 102852) without any classification. It has been previously reported in at least 7 cases with PKU (confirmed by abnormal blood Phe levels) in whom BH4 deficiency was excluded (PP4_Moderate); it has also been noted in one case with hyperphenyalanemia. As detailed below, it has been found in confirmed trans with multiple known pathogenic variants (e.g., p.R408W, p.R261Q, p.F39del, p.A104D) in six probands total and in trans with a VUS (p.T81P variant) in one case (PM3_VeryStrong). These reports are as follows. It has been previously found in two unrelated German probands with classic PKU (determined by blood Phe levels); BH4 deficiency does not appear to have been formally excluded (PMID: 1363786). The two unrelated patients in this report (PMID: 1363786) were each confirmed compound heterozygotes: one carried it in trans with the known pathogenic p.R408W allele and the other carried it in trans with the known pathogenic p.R261Q allele (these two variants have been classified pathogenic per PAH VCEP). It has also been identified in two unrelated European PKU cases in whom BH4 deficiency was said to be excluded, each of whom were confirmed compound heterozygous for the variant with the known pathogenic p.R408Q allele (PMID: 24190797). In another report, it was found in confirmed trans in three white European cases in whom BH4 deficiency was said to be excluded and who presented with classic PKU by blood Phe levels: one case with the c.115_117delTTC (p.F39del) variant (Pathogenic per PAH VCEP), one case with the p.T81P variant (VUS per PAH VCEP), and one case with the p.A104D variant (Pathogenic per PAH VCEP) (PMID: 23430918). It has also been noted in a cohort of Czech patients with hyperphenylalanemia, but further detail does not appear to be provided (PMID: 23357515). Classification: Pathogenic Supporting criteria: PVS1, PM2, PM3_VeryStrong, PP4_Moderate

CeGaT Center for Human Genetics Tuebingen
Classification: Pathogenic. Last evaluated: 2025-09-01. Review status: criteria provided, single submitter. Criteria: CeGaT Center For Human Genetics Tuebingen Variant Classification Criteria Version 2. Collection method: clinical testing. Allele origin: germline. Affected: yes. Observed: 1 variant allele. Not counted in ClinVar's aggregate classification.
Comment: PAH: PM3:Very Strong, PVS1, PM2, PP4:Moderate

Natera, Inc.
Classification: Pathogenic for Phenylketonuria. Last evaluated: 2025-04-18. Review status: criteria provided, single submitter. Criteria: Natera Variant Classification Schema (03/2026). Collection method: clinical testing. Allele origin: germline. Not counted in ClinVar's aggregate classification.
Comment: The c.822_832delGCCCATGTATA variant in PAH is a frameshift variant predicted to shift the reading frame beginning at codon 274 and leads to a stop codon 5 codons downstream. This variant is expected to result in nonsense mediated decay, truncation, or a dysfunctional protein product. This variant is rare in the general population with a frequency below the threshold expected for the associated phenotype(s). This variant has been observed in one or more individuals affected with the associated recessive disease, as either homozygous or compound heterozygous with a second variant (PMID: 22526846, 23690520, 23430918). Given the available evidence, this variant is classified as Pathogenic.

Blueprint Genetics
Classification: Pathogenic for PAH-related disorders. Last evaluated: 2023-11-07. Review status: criteria provided, single submitter. Criteria: ACMG Guidelines, 2015. Collection method: clinical testing. Allele origin: germline. Affected: yes. Observed: 2 variant alleles. Not counted in ClinVar's aggregate classification.

Labcorp Genetics (formerly Invitae), Labcorp
Classification: Pathogenic for Phenylketonuria. Last evaluated: 2023-02-11. Review status: criteria provided, single submitter. Criteria: Invitae Variant Classification Sherloc (09022015). Collection method: clinical testing. Allele origin: germline. Not counted in ClinVar's aggregate classification.
Comment: This sequence change creates a premature translational stop signal (p.Lys274Asnfs*5) in the PAH gene. It is expected to result in an absent or disrupted protein product. Loss-of-function variants in PAH are known to be pathogenic (PMID: 1301187, 9634518). For these reasons, this variant has been classified as Pathogenic. ClinVar contains an entry for this variant (Variation ID: 102852). This variant is also known as c.1043del11. This premature translational stop signal has been observed in individual(s) with hyperphenylalaninemia (PMID: 1363786, 17935162, 23357515). This variant is present in population databases (rs199475581, gnomAD 0.0009%).

Women's Health and Genetics/Laboratory Corporation of America, LabCorp
Classification: Pathogenic for Phenylketonuria. Last evaluated: 2022-07-14. Review status: criteria provided, single submitter. Criteria: LabCorp Variant Classification Summary - May 2015. Collection method: clinical testing. Allele origin: germline. Not counted in ClinVar's aggregate classification.
Comment: Variant summary: PAH c.822_832del11 (p.Lys274AsnfsX5) results in a premature termination codon, predicted to cause a truncation of the encoded protein or absence of the protein due to nonsense mediated decay, which are commonly known mechanisms for disease. Truncations downstream of this position have been classified as pathogenic by our laboratory. The variant allele was found at a frequency of 4e-06 in 251320 control chromosomes (gnomAD). c.822_832del11 has been reported in the literature in multiple individuals affected with Phenylalanine Hydroxylase Deficiency (Phenylketonuria) (e.g. Zschocke_1999, Dobrowolski_2009, Sarkissian_2012). These data indicate that the variant is very likely to be associated with disease. Three ClinVar submitters including an expert panel (ClinGen PAH Variant Curation Expert Panel) (evaluation after 2014) cite the variant as pathogenic. Based on the evidence outlined above, the variant was classified as pathogenic.

GeneDx
Classification: Pathogenic. Last evaluated: 2022-06-16. Review status: criteria provided, single submitter. Criteria: GeneDx Variant Classification Process June 2021. Collection method: clinical testing. Allele origin: germline. Affected: yes. Not counted in ClinVar's aggregate classification.
Comment: Not observed at significant frequency in large population cohorts (gnomAD); Frameshift variant predicted to result in protein truncation or nonsense mediated decay in a gene for which loss of function is a known mechanism of disease; This variant is associated with the following publications: (PMID: 32668217, 1363786)

DeBelle Laboratory for Biochemical Genetics, MUHC/MCH RESEARCH INSTITUTE
No classification provided. Review status: no classification provided. Collection method: not provided. Allele origin: not provided. Not counted in ClinVar's aggregate classification.

Literature cited by the submitters: PubMed 22526846 (cited by Natera, Inc.); PubMed 23690520 (cited by Natera, Inc.); PubMed 23430918 (cited by Natera, Inc. and Women's Health and Genetics/Laboratory Corporation of America, LabCorp); PubMed 1301187 (cited by Labcorp Genetics (formerly Invitae), Labcorp); PubMed 9634518 (cited by Labcorp Genetics (formerly Invitae), Labcorp); PubMed 1363786 (cited by Labcorp Genetics (formerly Invitae), Labcorp); PubMed 17935162 (cited by Labcorp Genetics (formerly Invitae), Labcorp); PubMed 23357515 (cited by Labcorp Genetics (formerly Invitae), Labcorp); PubMed 10394930 (cited by Women's Health and Genetics/Laboratory Corporation of America, LabCorp); PubMed 19444284 (cited by Women's Health and Genetics/Laboratory Corporation of America, LabCorp).

NM_000277.3(PAH):c.822_832del (p.Lys274fs)

Gene: PAH (phenylalanine hydroxylase; minus strand). Cytogenetic location: 12q23.2.
Variant type: Deletion.
Coding change: c.822_832del on transcript NM_000277.3 (MANE Select); coding-DNA positions 822 to 832, 11 bases deleted (GCCCATGTATA).
Protein change: p.Lys274fs; shifts the reading frame from lysine 274.
Molecular consequence: frameshift variant.
Genome position (GRCh38, 1-based): chr12:102,852,825-102,852,835, TATACATGGGC deleted on the plus strand (GCCCATGTATA on the coding strand, the reverse complement: PAH is on the minus strand); deleting any 11 consecutive bases within chr12:102,852,825-102,852,836 gives the same sequence; the c. name uses the placement nearest the transcript's 3' end. VCF-style (leftmost placement, unchanged base first): chr12-102852824-GTATACATGGGC-G. GRCh37 (hg19) VCF-style: chr12-103246602-GTATACATGGGC-G.
Other names: c.822_832del, p.Lys274fs (NM_001354304.2); c.822_832delGCCCATGTATA (NM_000277.2); c.822_832del (NM_000277.1); short protein forms K274fs.
Identifiers: ClinVar variation 102852 (VCV000102852.25), dbSNP rs199475581, ClinGen allele CA229788.
Genomic context (GRCh38, chr12:102,852,824, plus strand): 5'-AAGATGGCGCTCATTGTGCCTGGCAACTGGTAGCTGGAGGACAGTACTCACGGTTCGGGG[GTATACATGGGC>G]TTGGATCCATGTCTGATGTACTGTGTGCAGTGGAAGACTCGGAAGGCCAGGCCACCCAAG-3'